The following is an entry in ClinVar:

ClinVar aggregate classification (germline): Uncertain significance (1 of 4 stars; one submission).

Submission:

GeneDx
Classification: Uncertain significance. Last evaluated: 2024-05-14. Review status: criteria provided, single submitter. Criteria: GeneDx Variant Classification Process June 2021. Collection method: clinical testing. Allele origin: germline. Affected: yes.
Comment: Not observed at significant frequency in large population cohorts (gnomAD); In silico analysis indicates that this missense variant does not alter protein structure/function; Has not been previously published as pathogenic or benign to our knowledge

NM_152703.5(SAMD9L):c.4189T>A (p.Ser1397Thr)

Gene: SAMD9L (sterile alpha motif domain containing 9 like; minus strand). Cytogenetic location: 7q21.2.
Variant type: single nucleotide variant.
Coding change: c.4189T>A on transcript NM_152703.5 (MANE Select); coding-DNA position 4189, T replaced by A.
Protein change: p.Ser1397Thr; replaces serine 1397 with threonine.
Molecular consequence: missense variant.
Genome position (GRCh38, 1-based): chr7:93,131,783, A>T on the plus strand (T>A on the coding strand, the complement: SAMD9L is on the minus strand). VCF-style: chr7-93131783-A-T. GRCh37 (hg19) VCF-style: chr7-92761096-A-T.
Other names: c.4189T>A, p.Ser1397Thr (NM_001303496.3, NM_001303497.3, NM_001303498.3 and 5 more transcripts); short protein forms S1397T.
Identifiers: ClinVar variation 3378365 (VCV003378365.1).